The following is an entry in ClinVar:

NM_001035.3(RYR2):c.12678G>T (p.Pro4226=)

Genes: RYR2 (ryanodine receptor 2; plus strand), LOC126806068 (BRD4-independent group 4 enhancer GRCh37_chr1:237947411-237948610; plus strand). Cytogenetic location: 1q43.
Variant type: single nucleotide variant.
Coding change: c.12678G>T on transcript NM_001035.3 (MANE Select); coding-DNA position 12678, G replaced by T.
Protein change: p.Pro4226=; no amino-acid change (proline 4226 retained).
Molecular consequence: synonymous variant.
Genome position (GRCh38, 1-based): chr1:237,784,390, G>T. VCF-style: chr1-237784390-G-T. GRCh37 (hg19) VCF-style: chr1-237947690-G-T.
Other names: c.12678G>T, p.Pro4226= (LRG_402t1).
Identifiers: ClinVar variation 629381 (VCV000629381.12), dbSNP rs768348987, ClinGen allele CA424032177.

ClinVar aggregate classification (germline): Likely benign. Review status: criteria provided, multiple submitters, no conflicts (2 of 4 stars). 3 submissions from 3 submitters: Likely benign (3). Last evaluated 2023-04-28.

Conditions:
Catecholaminergic polymorphic ventricular tachycardia (CVPT). Also called: Catecholamine-induced polymorphic ventricular tachycardia. Identifiers: Orphanet 3286, MedGen C5574922, MONDO:0017990.
Catecholaminergic polymorphic ventricular tachycardia 1. Also called: RYR2-Related Catecholaminergic Polymorphic Ventricular Tachycardia; VENTRICULAR TACHYCARDIA, CATECHOLAMINERGIC POLYMORPHIC, 1, WITH OR WITHOUT ATRIAL DYSFUNCTION AND/OR DILATED CARDIOMYOPATHY; VENTRICULAR TACHYCARDIA, STRESS-INDUCED POLYMORPHIC 1. Identifiers: Orphanet 3286, MedGen C1631597, MONDO:0011484, OMIM 604772.
Cardiomyopathy (CMYO). Also called: Cardiomyopathies. Identifiers: Orphanet 167848, MedGen C0878544, MONDO:0004994, HP:0001638. Inheritance: Various modes of inheritance.

Submissions (3):

All of Us Research Program, National Institutes of Health
Classification: Likely benign for Catecholaminergic polymorphic ventricular tachycardia. Last evaluated: 2023-04-28. Review status: criteria provided, single submitter. Criteria: ACMG Guidelines, 2015. Collection method: clinical testing. Allele origin: germline. Inheritance: Autosomal dominant inheritance. Observed: 1 variant allele, 1 heterozygote.
Comment: This study involves interpretation of variants in research participants for the purpose of population health screening. Participant phenotype was not available at the time of variant classification. Additional details can be found in publication PMID: 35346344, PMCID: PMC8962531

Labcorp Genetics (formerly Invitae), Labcorp
Classification: Likely benign for Catecholaminergic polymorphic ventricular tachycardia 1. Last evaluated: 2021-10-08. Review status: criteria provided, single submitter. Criteria: Invitae Variant Classification Sherloc (09022015). Collection method: clinical testing. Allele origin: germline.

Color Diagnostics, LLC DBA Color Health
Classification: Likely benign for Cardiomyopathy. Last evaluated: 2018-09-28. Review status: criteria provided, single submitter. Criteria: ACMG Guidelines, 2015. Collection method: clinical testing. Allele origin: germline.